The following is an entry in ClinVar:

ClinVar aggregate classification (germline): Likely benign. Review status: reviewed by expert panel (3 of 4 stars). 5 submissions from 5 submitters: Likely benign (1). 4 of the submissions do not count toward it. Last evaluated 2020-05-26.

Conditions:
Usher syndrome. Also called: Usher's syndrome; Usher Syndromes. Identifiers: Orphanet 886, MedGen CN469326, MeSH D052245, MONDO:0019501. Disease mechanism: loss of function.
Usher syndrome type 2A. Also called: USHER SYNDROME, TYPE IIA; RETINAL DISEASE IN USHER SYNDROME TYPE IIA, MODIFIER OF. Identifiers: Orphanet 231178, Orphanet 886, MedGen C1848634, MONDO:0010169, OMIM 276901.

Allele frequency attached by ClinVar (database versions not stated): ESP Exome Variant Server 0.00008; TOPMed 0.00020; gnomAD 0.00026; ExAC 0.00029; 1000 Genomes Project 0.00060; 1000 Genomes Project 30x 0.00062.
gnomAD v4.1: 161 of 1,612,596 alleles (0.01%); highest among the groups gnomAD compares: East Asian, 0.18%; 1 homozygote.

Submissions (5):

ClinGen Hearing Loss Variant Curation Expert Panel
Classification: Likely benign for Usher syndrome. Last evaluated: 2020-05-26. Review status: reviewed by expert panel. Criteria: ClinGen HL ACMG Specifications v1. Collection method: curation. Allele origin: germline. Inheritance: Autosomal recessive inheritance.
Comment: The filtering allele frequency (the lower threshold of the 95% CI of 57/19928 of the c.7167C>T (p.Ser2389=) variant in the USH2A gene is 0.22% for East Asian chromosomes by gnomAD v2.1.1, which is a higher frequency than would be expected for an autosomal recessive pathogenic variant based on the thresholds defined by the ClinGen Hearing Loss Expert Panel (BS1_Supporting). The silent c.7167C>T variant in USH2A is not predicted by the computational prediction analysis using MaxEntScan to impact splicing (BP4, BP7). In summary, this variant meets criteria to be classified as likely benign. ACMG/AMP criteria applied, as specified by the Hearing Loss Expert Panel: BS1_P, BP4,BP7.

Labcorp Genetics (formerly Invitae), Labcorp
Classification: Benign. Last evaluated: 2026-01-28. Review status: criteria provided, single submitter. Criteria: Invitae Variant Classification Sherloc (09022015). Collection method: clinical testing. Allele origin: germline. Not counted in ClinVar's aggregate classification.

Blueprint Genetics
Classification: Likely benign. Last evaluated: 2024-05-07. Review status: criteria provided, single submitter. Criteria: ACMG Guidelines, 2015. Collection method: clinical testing. Allele origin: germline. Not counted in ClinVar's aggregate classification.

GeneDx
Classification: Likely benign. Last evaluated: 2020-10-22. Review status: criteria provided, single submitter. Criteria: GeneDx Variant Classification Process June 2021. Collection method: clinical testing. Allele origin: germline. Affected: yes. Not counted in ClinVar's aggregate classification.

Natera, Inc.
Classification: Uncertain significance for Usher syndrome type 2A. Last evaluated: 2019-11-07. Review status: no assertion criteria provided. Collection method: clinical testing. Allele origin: germline. Not counted in ClinVar's aggregate classification.

NM_206933.4(USH2A):c.7167C>T (p.Ser2389=)

Gene: USH2A (usherin; minus strand). Cytogenetic location: 1q41.
Variant type: single nucleotide variant.
Coding change: c.7167C>T on transcript NM_206933.4 (MANE Select); coding-DNA position 7167, C replaced by T.
Protein change: p.Ser2389=; no amino-acid change (serine 2389 retained).
Molecular consequence: synonymous variant.
Genome position (GRCh38, 1-based): chr1:215,934,749, G>A on the plus strand (C>T on the coding strand, the complement: USH2A is on the minus strand). VCF-style: chr1-215934749-G-A. GRCh37 (hg19) VCF-style: chr1-216108091-G-A.
Other names: c.7167C>T (NM_206933.3).
Identifiers: ClinVar variation 681822 (VCV000681822.16), dbSNP rs200243588, ClinGen allele CA1394924.